The following is an entry in ClinVar:

NM_001042681.2(RERE):c.1753C>G (p.Arg585Gly)

Gene: RERE (arginine-glutamic acid dipeptide repeats; minus strand). Cytogenetic location: 1p36.23.
Variant type: single nucleotide variant.
Coding change: c.1753C>G on transcript NM_001042681.2 (MANE Select); coding-DNA position 1753, C replaced by G.
Protein change: p.Arg585Gly; replaces arginine 585 with glycine.
Molecular consequence: missense variant.
Genome position (GRCh38, 1-based): chr1:8,362,832, G>C on the plus strand (C>G on the coding strand, the complement: RERE is on the minus strand). VCF-style: chr1-8362832-G-C. GRCh37 (hg19) VCF-style: chr1-8422892-G-C.
Other names: c.91C>G, p.Arg31Gly (NM_001042682.2); c.1753C>G, p.Arg585Gly (NM_012102.4); short protein forms R31G, R585G.
Identifiers: ClinVar variation 3696876 (VCV003696876.2).
Genomic context (GRCh38, chr1:8,362,832, plus strand): 5'-CTTCATTGATGGGTGAGGTGCGACCATCAGGGCTGGCTGGCTGCTTCTTCCGACCACTGC[G>C]TAGTGTCGACATCTGCCCACCCAAACCGAAGACTGGTGACACCAGATTCCCAGTCCCCAT-3'
Protein context (NP_001036146.1, residues 575-595): RRSRGSMSTL[Arg585Gly]SGRKKQPASP

ClinVar aggregate classification (germline): Uncertain significance (1 of 4 stars; one submission).

gnomAD v4.1: 2 of 1,612,450 alleles (0.00012%); highest among the groups gnomAD compares: Admixed American, 0.0017%; no homozygotes.

Submission:

Labcorp Genetics (formerly Invitae), Labcorp
Classification: Uncertain significance. Last evaluated: 2024-12-04. Review status: criteria provided, single submitter. Criteria: Invitae Variant Classification Sherloc (09022015). Collection method: clinical testing. Allele origin: germline.
Comment: This sequence change replaces arginine, which is basic and polar, with glycine, which is neutral and non-polar, at codon 585 of the RERE protein (p.Arg585Gly). This variant is not present in population databases (gnomAD no frequency). This variant has not been reported in the literature in individuals affected with RERE-related conditions. Invitae Evidence Modeling of protein sequence and biophysical properties (such as structural, functional, and spatial information, amino acid conservation, physicochemical variation, residue mobility, and thermodynamic stability) has been performed for this missense variant. However, the output from this modeling did not meet the statistical confidence thresholds required to predict the impact of this variant on RERE protein function. In summary, the available evidence is currently insufficient to determine the role of this variant in disease. Therefore, it has been classified as a Variant of Uncertain Significance.